The following is an entry in ClinVar:

ClinVar aggregate classification (germline): Uncertain significance. Review status: criteria provided, multiple submitters, no conflicts (2 of 4 stars). 2 submissions from 2 submitters: Uncertain significance (2). Last evaluated 2025-07-14.

Conditions:
Wiedemann-Steiner syndrome (WDSTS). Also called: Growth deficiency and mental retardation with facial dysmorphism. Identifiers: Orphanet 319182, MedGen C1854630, MONDO:0011518, OMIM 605130.

Submissions (2):

Department of Molecular Genetics, Istishari Arab Hospital
Classification: Uncertain significance for Wiedemann-Steiner syndrome. Last evaluated: 2025-07-14. Review status: criteria provided, single submitter. Criteria: ACMG Guidelines, 2015. Collection method: clinical testing. Allele origin: germline. Inheritance: Autosomal dominant inheritance. Affected: yes.
Comment: The KMT2A variant c.641A>T creates an amino acid change from Asp to Val at position 214. To the best of our knowledge, this variant was not previously reported in literature. . It is classified as variant of uncertain significance according to the recommendations of ACMG/AMP/ClinGen SVI guidelines.

Women's Health and Genetics/Laboratory Corporation of America, LabCorp
Classification: Uncertain significance. Last evaluated: 2025-03-12. Review status: criteria provided, single submitter. Criteria: LabCorp Variant Classification Summary - May 2015. Collection method: clinical testing. Allele origin: germline.
Comment: Variant summary: KMT2A c.641A>T (p.Asp214Val) results in a non-conservative amino acid change in the encoded protein sequence. Three of five in-silico tools predict a damaging effect of the variant on protein function. The variant was absent in 250568 control chromosomes. The available data on variant occurrences in the general population are insufficient to allow any conclusion about variant significance. To our knowledge, no occurrence of c.641A>T in individuals affected with Wiedemann-Steiner Syndrome and no experimental evidence demonstrating its impact on protein function have been reported. No submitters have cited clinical-significance assessments for this variant to ClinVar. Based on the evidence outlined above, the variant was classified as uncertain significance.

NM_001197104.2(KMT2A):c.641A>T (p.Asp214Val)

Gene: KMT2A (lysine methyltransferase 2A; plus strand). Cytogenetic location: 11q23.3.
Variant type: single nucleotide variant.
Coding change: c.641A>T on transcript NM_001197104.2 (MANE Select); coding-DNA position 641, A replaced by T.
Protein change: p.Asp214Val; replaces aspartic acid 214 with valine.
Molecular consequence: missense variant.
Genome position (GRCh38, 1-based): chr11:118,471,800, A>T. VCF-style: chr11-118471800-A-T. GRCh37 (hg19) VCF-style: chr11-118342515-A-T.
Other names: p.Asp214Val; c.740A>T, p.Asp247Val (NM_001412597.1); c.641A>T, p.Asp214Val (NM_005933.4); short protein forms D214V, D247V.
Identifiers: ClinVar variation 3895681 (VCV003895681.2).
Genomic context (GRCh38, chr11:118,471,800, plus strand): 5'-CTGTGTTTTCCCCTCTAAATAAATCAGAGACCAAATCTGGAGATAAGATCAAGAAGAAAG[A>T]TTCTAAAAGTATAGAAAAGAAGAGAGGAAGACCTCCCACCTTCCCTGGAGTAAAAATCAA-3'
Protein context (NP_001184033.1, residues 204-224): TKSGDKIKKK[Asp214Val]SKSIEKKRGR